The following is an entry in ClinVar:

NM_001271.4(CHD2):c.2846C>T (p.Thr949Met)

Gene: CHD2 (chromodomain helicase DNA binding protein 2; plus strand). Cytogenetic location: 15q26.1.
Variant type: single nucleotide variant.
Coding change: c.2846C>T on transcript NM_001271.4 (MANE Select); coding-DNA position 2846, C replaced by T.
Protein change: p.Thr949Met; replaces threonine 949 with methionine.
Molecular consequence: missense variant.
Genome position (GRCh38, 1-based): chr15:92,979,253, C>T. VCF-style: chr15-92979253-C-T. GRCh37 (hg19) VCF-style: chr15-93522483-C-T.
Other names: short protein forms T949M.
Identifiers: ClinVar variation 420539 (VCV000420539.13), dbSNP rs1064794542, ClinGen allele CA16620049.

ClinVar aggregate classification (germline): Uncertain significance. Review status: criteria provided, multiple submitters, no conflicts (2 of 4 stars). 2 submissions from 2 submitters: Uncertain significance (2). Last evaluated 2020-01-09.

Conditions:
Developmental and epileptic encephalopathy 94 (DEE94). Also called: Epileptic encephalopathy, childhood-onset; CHD2-Related Neurodevelopmental Disorders. Identifiers: Orphanet 1942, Orphanet 2382, MedGen C3809278, MONDO:0014150, OMIM 615369.

Allele frequency attached by ClinVar (database versions not stated): gnomAD exomes 0.00001.
gnomAD v4.1: 18 of 1,613,884 alleles (0.0011%); highest among the groups gnomAD compares: Middle Eastern, 0.017%; no homozygotes.

Submissions (2):

Labcorp Genetics (formerly Invitae), Labcorp
Classification: Uncertain significance for Developmental and epileptic encephalopathy 94. Last evaluated: 2020-01-09. Review status: criteria provided, single submitter. Criteria: Invitae Variant Classification Sherloc (09022015). Collection method: clinical testing. Allele origin: germline.
Comment: In summary, the available evidence is currently insufficient to determine the role of this variant in disease. Therefore, it has been classified as a Variant of Uncertain Significance. Algorithms developed to predict the effect of missense changes on protein structure and function (SIFT, PolyPhen-2, Align-GVGD) all suggest that this variant is likely to be disruptive, but these predictions have not been confirmed by published functional studies and their clinical significance is uncertain. This variant has not been reported in the literature in individuals with CHD2-related conditions. ClinVar contains an entry for this variant (Variation ID: 420539). This variant is not present in population databases (ExAC no frequency). This sequence change replaces threonine with methionine at codon 949 of the CHD2 protein (p.Thr949Met). The threonine residue is highly conserved and there is a moderate physicochemical difference between threonine and methionine.

GeneDx
Classification: Uncertain significance. Last evaluated: 2018-07-20. Review status: criteria provided, single submitter. Criteria: GeneDx Variant Classification (06012015). Collection method: clinical testing. Allele origin: germline. Affected: yes.
Comment: A variant of uncertain significance has been identified in the CHD2 gene. The T949M variant has not been published as a pathogenic variant, nor has it been reported as a benign variant to our knowledge. It was not observed in approximately 6,500 individuals of European and African American ancestry in the NHLBI Exome Sequencing Project, indicating it is not a common benign variant in these populations. The T949M variant is a non-conservative amino acid substitution, which is likely to impact secondary protein structure as these residues differ in polarity, charge, size and/or other properties. This substitution occurs at a position that is conserved across species, and in silico analysis predicts this variant is probably damaging to the protein structure/function. However, missense variants in nearby residues have not been reported in Human Gene Mutation Database in association with CHD2-related disorders (Stenson et al., 2014). Therefore, based on the currently available information, it is unclear whether this variant is a pathogenic variant or a rare benign variant.